The following is an entry in ClinVar:

ClinVar aggregate classification (germline): Uncertain significance (1 of 4 stars; one submission).

Submission:

Labcorp Genetics (formerly Invitae), Labcorp
Classification: Uncertain significance. Last evaluated: 2024-12-16. Review status: criteria provided, single submitter. Criteria: Invitae Variant Classification Sherloc (09022015). Collection method: clinical testing. Allele origin: germline.
Comment: This sequence change replaces arginine, which is basic and polar, with lysine, which is basic and polar, at codon 924 of the COL18A1 protein (p.Arg924Lys). This variant is not present in population databases (gnomAD no frequency). This variant has not been reported in the literature in individuals affected with COL18A1-related conditions. ClinVar contains an entry for this variant (Variation ID: 1011514). Experimental studies and prediction algorithms are not available or were not evaluated, and the functional significance of this variant is currently unknown. In summary, the available evidence is currently insufficient to determine the role of this variant in disease. Therefore, it has been classified as a Variant of Uncertain Significance.

NM_001379500.1(COL18A1):c.2771G>A (p.Arg924Lys)

Genes: COL18A1 (collagen type XVIII alpha 1 chain; plus strand), SLC19A1 (solute carrier family 19 member 1; minus strand). Cytogenetic location: 21q22.3.
Variant type: single nucleotide variant.
Coding change: c.2771G>A on transcript NM_001379500.1 (MANE Select); coding-DNA position 2771, G replaced by A.
Protein change: p.Arg924Lys; replaces arginine 924 with lysine.
Molecular consequence: missense variant.
Genome position (GRCh38, 1-based): chr21:45,504,459, G>A. VCF-style: chr21-45504459-G-A. GRCh37 (hg19) VCF-style: chr21-46924373-G-A.
Other names: c.3311G>A, p.Arg1104Lys (NM_030582.4); c.4016G>A, p.Arg1339Lys (NM_130444.3); short protein forms R1104K, R1339K, R924K.
Identifiers: ClinVar variation 1011514 (VCV001011514.7), dbSNP rs1233966401, ClinGen allele CA410499181.